The following is an entry in ClinVar:

ClinVar aggregate classification (germline): Uncertain significance (1 of 4 stars; one submission).

Conditions:
GNAS-related disorder. Identifiers: MedGen CN380105.

gnomAD v4.1: 2 of 1,613,620 alleles (0.00012%); highest among the groups gnomAD compares: Non-Finnish European, 0.00017%; no homozygotes.

Submission:

PreventionGenetics, part of Exact Sciences
Classification: Uncertain significance for GNAS-related condition. Last evaluated: 2025-05-21. Review status: criteria provided, single submitter. Criteria: ACMG Guidelines, 2015. Collection method: clinical testing. Allele origin: germline.
Comment: The GNAS c.310G>A variant is predicted to result in the amino acid substitution p.Glu104Lys. To our knowledge, this variant has not been reported in the literature or in a large population database (gnomAD), indicating this variant is rare. At this time, the clinical significance of this variant is uncertain due to the absence of conclusive functional and genetic evidence.

NM_016592.5(GNAS):c.310G>A (p.Glu104Lys)

Genes: GNAS (GNAS complex locus; plus strand), GNAS-AS1 (GNAS antisense RNA 1; minus strand). Cytogenetic location: 20q13.32.
Variant type: single nucleotide variant.
Coding change: c.310G>A on transcript NM_016592.5 (MANE Plus Clinical); coding-DNA position 310, G replaced by A.
Protein change: p.Glu104Lys; replaces glutamic acid 104 with lysine.
Molecular consequence: missense variant. On other transcripts: 5 prime UTR variant (1).
Genome position (GRCh38, 1-based): chr20:58,840,416, G>A. VCF-style: chr20-58840416-G-A. GRCh37 (hg19) VCF-style: chr20-57415471-G-A.
Other names: c.-428G>A (NM_001410912.1); short protein forms E104K.
Identifiers: ClinVar variation 5001552 (VCV005001552.1).